The following is an entry in ClinVar:

ClinVar aggregate classification (germline): Uncertain significance (1 of 4 stars; one submission).

Allele frequency attached by ClinVar (database versions not stated): ExAC 0.00001; gnomAD 0.00001; gnomAD exomes 0.00001 and 0.00002; TOPMed 0.00004.
gnomAD v4.1: 7 of 1,210,247 alleles (0.00058%); highest among the groups gnomAD compares: African/African-American, 0.01%; no homozygotes.

Submission:

GeneDx
Classification: Uncertain significance. Last evaluated: 2019-07-09. Review status: criteria provided, single submitter. Criteria: GeneDx Variant Classification Process June 2021. Collection method: clinical testing. Allele origin: germline. Affected: yes.
Comment: Has not been previously published as pathogenic or benign to our knowledge; In silico analysis, which includes protein predictors and evolutionary conservation, supports that this variant does not alter protein structure/function

NM_003413.4(ZIC3):c.1339G>A (p.Ala447Thr)

Gene: ZIC3 (Zic family member 3; plus strand). Cytogenetic location: Xq26.3.
Variant type: single nucleotide variant.
Coding change: c.1339G>A on transcript NM_003413.4 (MANE Select); coding-DNA position 1339, G replaced by A.
Protein change: p.Ala447Thr; replaces alanine 447 with threonine.
Molecular consequence: missense variant. On other transcripts: intron variant (1).
Genome position (GRCh38, 1-based): chrX:137,570,005, G>A. VCF-style: chrX-137570005-G-A. GRCh37 (hg19) VCF-style: chrX-136652164-G-A.
Other names: c.1224+940G>A (NM_001330661.1); short protein forms A447T.
Identifiers: ClinVar variation 1306888 (VCV001306888.2), dbSNP rs749105833, ClinGen allele CA10529400.